The following is an entry in ClinVar:

NM_000492.4(CFTR):c.930del (p.Phe311fs)

Gene: CFTR (CF transmembrane conductance regulator; plus strand). Cytogenetic location: 7q31.2.
Variant type: Deletion.
Coding change: c.930del on transcript NM_000492.4 (MANE Select); coding-DNA position 930, one base deleted (C; older notation c.930delC).
Protein change: p.Phe311fs; shifts the reading frame from phenylalanine 311.
Molecular consequence: frameshift variant.
Genome position (GRCh38, 1-based): chr7:117,540,160, C deleted. VCF-style (leftmost placement, unchanged base first): chr7-117540159-TC-T. GRCh37 (hg19) VCF-style: chr7-117180213-TC-T.
Other names: c.930delC (NM_000492.3); short protein forms F311fs.
Identifiers: ClinVar variation 694032 (VCV000694032.8), dbSNP rs1584789226, ClinGen allele CA915945466.
Genomic context (GRCh38, chr7:117,540,159, plus strand): 5'-GAACAGAACTGAAACTGACTCGGAAGGCAGCCTATGTGAGATACTTCAATAGCTCAGCCT[TC>T]TTCTTCTCAGGGTTCTTTGTGGTGTTTTTATCTGTGCTTCCCTATGCACTAATCAAAGGA-3'

ClinVar aggregate classification (germline): Pathogenic/Likely pathogenic. Review status: criteria provided, multiple submitters, no conflicts (2 of 4 stars). 4 submissions from 4 submitters: Pathogenic (2); Likely pathogenic (2). Last evaluated 2024-01-08.

Conditions:
Cystic fibrosis (CF). Also called: MUCOVISCIDOSIS. Identifiers: Orphanet 586, MedGen C0010674, MONDO:0009061, OMIM 219700. Disease mechanism: loss of function.
Bronchiectasis with or without elevated sweat chloride 1 (BESC1). Also called: Cystic Fibrosis-Like Syndrome. Identifiers: Orphanet 60033, MedGen C2749757, MONDO:0008887, OMIM 211400.
Hereditary pancreatitis (PCTT). Also called: Hereditary chronic pancreatitis; PRSS1-Related Hereditary Pancreatitis. Identifiers: Orphanet 676, MedGen C0238339, MONDO:0008185, OMIM 167800.
Congenital bilateral aplasia of vas deferens from CFTR mutation (CBAVD). Identifiers: Orphanet 48, MedGen C0403814, MONDO:0010178, OMIM 277180. Disease mechanism: loss of function.

Submissions (4):

Fulgent Genetics
Classification: Likely pathogenic for Hereditary pancreatitis; Bronchiectasis with or without elevated sweat chloride 1; Cystic fibrosis; Congenital bilateral aplasia of vas deferens from CFTR mutation. Last evaluated: 2024-01-08. Review status: criteria provided, single submitter. Criteria: ACMG Guidelines, 2015. Collection method: clinical testing. Allele origin: germline.

Labcorp Genetics (formerly Invitae), Labcorp
Classification: Pathogenic for Cystic fibrosis. Last evaluated: 2022-04-04. Review status: criteria provided, single submitter. Criteria: Invitae Variant Classification Sherloc (09022015). Collection method: clinical testing. Allele origin: germline.
Comment: Algorithms developed to predict the effect of sequence changes on RNA splicing suggest that this variant may disrupt the consensus splice site. For these reasons, this variant has been classified as Pathogenic. ClinVar contains an entry for this variant (Variation ID: 694032). This variant has not been reported in the literature in individuals affected with CFTR-related conditions. This variant is not present in population databases (gnomAD no frequency). This sequence change creates a premature translational stop signal (p.Phe311Serfs*17) in the CFTR gene. It is expected to result in an absent or disrupted protein product. Loss-of-function variants in CFTR are known to be pathogenic (PMID: 1695717, 7691345, 9725922).

Women's Health and Genetics/Laboratory Corporation of America, LabCorp
Classification: Likely pathogenic for Cystic fibrosis. Last evaluated: 2022-01-22. Review status: criteria provided, single submitter. Criteria: LabCorp Variant Classification Summary - May 2015. Collection method: clinical testing. Allele origin: germline.
Comment: Variant summary: CFTR c.930delC (p.Phe311SerfsX17) results in a premature termination codon, predicted to cause a truncation of the encoded protein or absence of the protein due to nonsense mediated decay, which are commonly known mechanisms for disease. Truncations downstream of this position have been classified as pathogenic by our laboratory. The variant was absent in 251140 control chromosomes. To our knowledge, no occurrence of c.930delC in individuals affected with Cystic Fibrosis and no experimental evidence demonstrating its impact on protein function have been reported. One clinical diagnostic laboratory has submitted clinical-significance assessments for this variant to ClinVar after 2014 without evidence for independent evaluation and classified the variant as pathogenic. Based on the evidence outlined above, the variant was classified as likely pathogenic.

GeniaGeo, Laboratorio Genia
Classification: Pathogenic for Cystic fibrosis. Last evaluated: 2019-10-04. Review status: criteria provided, single submitter. Criteria: ACMG Guidelines, 2015. Collection method: clinical testing. Allele origin: germline. Inheritance: Autosomal recessive inheritance. Affected: yes. Observed: 1 compound heterozygote.

Literature cited by the submitters: PubMed 1695717 (cited by Labcorp Genetics (formerly Invitae), Labcorp); PubMed 7691345 (cited by Labcorp Genetics (formerly Invitae), Labcorp); PubMed 9725922 (cited by Labcorp Genetics (formerly Invitae), Labcorp).